The following is an entry in ClinVar:

NM_012144.4(DNAI1):c.859G>T (p.Glu287Ter)

Gene: DNAI1 (dynein axonemal intermediate chain 1; plus strand). Cytogenetic location: 9p13.3.
Variant type: single nucleotide variant.
Coding change: c.859G>T on transcript NM_012144.4 (MANE Select); coding-DNA position 859, G replaced by T.
Protein change: p.Glu287Ter; replaces glutamic acid 287 with a stop codon.
Molecular consequence: nonsense.
Genome position (GRCh38, 1-based): chr9:34,497,157, G>T. VCF-style: chr9-34497157-G-T. GRCh37 (hg19) VCF-style: chr9-34497155-G-T.
Other names: c.871G>T, p.Glu291Ter (NM_001281428.2); short protein forms E287*, E291*.
Identifiers: ClinVar variation 1076070 (VCV001076070.7), dbSNP rs1290572246, ClinGen allele CA373251057.

ClinVar aggregate classification (germline): Pathogenic (1 of 4 stars; one submission).

Conditions:
Primary ciliary dyskinesia. Also called: Ciliary dyskinesia. Identifiers: Orphanet 244, MedGen C0008780, MONDO:0016575, HP:0012265.

Allele frequency attached by ClinVar (database versions not stated): gnomAD exomes below 0.00001; TOPMed below 0.00001; gnomAD 0.00001.
gnomAD v4.1: 3 of 1,614,050 alleles (0.00019%); highest among the groups gnomAD compares: Non-Finnish European, 0.00025%; no homozygotes.

Submission:

Labcorp Genetics (formerly Invitae), Labcorp
Classification: Pathogenic for Primary ciliary dyskinesia. Last evaluated: 2023-03-03. Review status: criteria provided, single submitter. Criteria: Invitae Variant Classification Sherloc (09022015). Collection method: clinical testing. Allele origin: germline.
Comment: For these reasons, this variant has been classified as Pathogenic. ClinVar contains an entry for this variant (Variation ID: 1076070). This variant has not been reported in the literature in individuals affected with DNAI1-related conditions. This variant is present in population databases (no rsID available, gnomAD 0.0009%). This sequence change creates a premature translational stop signal (p.Glu287*) in the DNAI1 gene. It is expected to result in an absent or disrupted protein product. Loss-of-function variants in DNAI1 are known to be pathogenic (PMID: 16858015, 29363216).

Literature cited by the submitters: PubMed 16858015; PubMed 29363216.